The following is an entry in ClinVar:

NM_001206927.2(DNAH8):c.4750G>A (p.Glu1584Lys)

Gene: DNAH8 (dynein axonemal heavy chain 8; plus strand). Cytogenetic location: 6p21.2.
Variant type: single nucleotide variant.
Coding change: c.4750G>A on transcript NM_001206927.2 (MANE Select); coding-DNA position 4750, G replaced by A.
Protein change: p.Glu1584Lys; replaces glutamic acid 1584 with lysine.
Molecular consequence: missense variant.
Genome position (GRCh38, 1-based): chr6:38,842,808, G>A. VCF-style: chr6-38842808-G-A. GRCh37 (hg19) VCF-style: chr6-38810584-G-A.
Other names: c.4099G>A, p.Glu1367Lys (NM_001371.4); short protein forms E1584K, E1367K.
Identifiers: ClinVar variation 407281 (VCV000407281.18), dbSNP rs201823651, ClinGen allele CA16612161.
Genomic context (GRCh38, chr6:38,842,808, plus strand): 5'-CCTCTACTGGAAATGATGACCAATAAGGCCATGAAACAGAGACACTGGGATAGAATCTCC[G>A]AGTTAACTGGAACCCCATTTGATGTGGAATCTGATTCTTTTTGCCTTAGAAATATCATGG-3'
Protein context (NP_001193856.1, residues 1574-1594): MKQRHWDRIS[Glu1584Lys]LTGTPFDVES

ClinVar aggregate classification (germline): Uncertain significance. Review status: criteria provided, multiple submitters, no conflicts (2 of 4 stars). 2 submissions from 2 submitters: Uncertain significance (2). Last evaluated 2025-04-06.

Conditions:
Primary ciliary dyskinesia. Also called: Ciliary dyskinesia. Identifiers: Orphanet 244, MedGen C0008780, MONDO:0016575, HP:0012265.

Allele frequency attached by ClinVar (database versions not stated): gnomAD 0.00001 and 0.00002; gnomAD exomes 0.00002; TOPMed 0.00005.
gnomAD v4.1: 30 of 1,613,770 alleles (0.0019%); highest among the groups gnomAD compares: Middle Eastern, 0.066%; no homozygotes.

Submissions (2):

Ambry Genetics
Classification: Uncertain significance. Last evaluated: 2025-04-06. Review status: criteria provided, single submitter. Criteria: Ambry Variant Classification Scheme 2023. Collection method: clinical testing. Allele origin: germline.

Labcorp Genetics (formerly Invitae), Labcorp
Classification: Uncertain significance for Primary ciliary dyskinesia. Last evaluated: 2021-08-24. Review status: criteria provided, single submitter. Criteria: Invitae Variant Classification Sherloc (09022015). Collection method: clinical testing. Allele origin: germline.
Comment: This sequence change replaces glutamic acid with lysine at codon 1584 of the DNAH8 protein (p.Glu1584Lys). The glutamic acid residue is moderately conserved and there is a small physicochemical difference between glutamic acid and lysine. This variant is not present in population databases (ExAC no frequency). This variant has not been reported in the literature in individuals affected with DNAH8-related conditions. Algorithms developed to predict the effect of missense changes on protein structure and function are either unavailable or do not agree on the potential impact of this missense change (SIFT: "Deleterious"; PolyPhen-2: "Not Available"; Align-GVGD: "Class C0"). In summary, the available evidence is currently insufficient to determine the role of this variant in disease. Therefore, it has been classified as a Variant of Uncertain Significance.